The following is an entry in ClinVar:

ClinVar aggregate classification (germline): Likely benign. Review status: criteria provided, multiple submitters, no conflicts (2 of 4 stars). 5 submissions from 5 submitters: Likely benign (4). 1 of the submissions does not count toward it. Last evaluated 2024-02-14.

Conditions:
Inborn genetic diseases. Identifiers: MedGen C0950123, MeSH D030342.
KCNT1-related disorder. Also called: KCNT1-related condition.
Developmental and epileptic encephalopathy, 14 (DEE14). Also called: Early infantile epileptic encephalopathy 14. Identifiers: Orphanet 293181, MedGen C3554195, MONDO:0013989, OMIM 614959.
Autosomal dominant nocturnal frontal lobe epilepsy 5. Also called: CILIARY DYSKINESIA, PRIMARY, 28, WITH SITUS INVERSUS; CILIARY DYSKINESIA, PRIMARY, 28, WITHOUT SITUS INVERSUS; KCNT1-Related Epilepsy; Epilepsy, nocturnal frontal lobe, 5. Identifiers: Orphanet 98784, MedGen C3554306, MONDO:0014002, OMIM 615005.

Allele frequency attached by ClinVar (database versions not stated): TOPMed 0.00005; gnomAD 0.00006 and 0.00007; gnomAD exomes 0.00007 and 0.00011; ExAC 0.00010.
gnomAD v4.1: 127 of 1,525,764 alleles (0.0083%); highest among the groups gnomAD compares: Non-Finnish European, 0.0036%; no homozygotes.

Submissions (5):

Blueprint Genetics
Classification: Likely benign. Last evaluated: 2024-02-14. Review status: criteria provided, single submitter. Criteria: ACMG Guidelines, 2015. Collection method: clinical testing. Allele origin: germline.

CeGaT Center for Human Genetics Tuebingen
Classification: Likely benign. Last evaluated: 2022-10-01. Review status: criteria provided, single submitter. Criteria: CeGaT Center For Human Genetics Tuebingen Variant Classification Criteria Version 2. Collection method: clinical testing. Allele origin: germline. Affected: yes. Observed: 2 variant alleles.
Comment: KCNT1: BS1

Ambry Genetics
Classification: Likely benign for Inborn genetic diseases. Last evaluated: 2022-08-05. Review status: criteria provided, single submitter. Criteria: Ambry Variant Classification Scheme 2023. Collection method: clinical testing. Allele origin: germline.

Labcorp Genetics (formerly Invitae), Labcorp
Classification: Likely benign for Autosomal dominant nocturnal frontal lobe epilepsy 5; Developmental and epileptic encephalopathy, 14. Last evaluated: 2020-11-18. Review status: criteria provided, single submitter. Criteria: Invitae Variant Classification Sherloc (09022015). Collection method: clinical testing. Allele origin: germline.

PreventionGenetics, part of Exact Sciences
Classification: Likely benign for KCNT1-related condition. Last evaluated: 2023-04-20. Review status: no assertion criteria provided. Collection method: clinical testing. Allele origin: germline. Not counted in ClinVar's aggregate classification.
Comment: This variant is classified as likely benign based on ACMG/AMP sequence variant interpretation guidelines (Richards et al. 2015 PMID: 25741868, with internal and published modifications).

NM_020822.3(KCNT1):c.1327A>T (p.Met443Leu)

Gene: KCNT1 (potassium sodium-activated channel subfamily T member 1; plus strand). Cytogenetic location: 9q34.3.
Variant type: single nucleotide variant.
Coding change: c.1327A>T on transcript NM_020822.3 (MANE Select); coding-DNA position 1327, A replaced by T.
Protein change: p.Met443Leu; replaces methionine 443 with leucine.
Molecular consequence: missense variant.
Genome position (GRCh38, 1-based): chr9:135,765,750, A>T. VCF-style: chr9-135765750-A-T. GRCh37 (hg19) VCF-style: chr9-138657596-A-T.
Other names: c.1192A>T, p.Met398Leu (NM_001272003.2); short protein forms M443L, M398L.
Identifiers: ClinVar variation 798167 (VCV000798167.51), dbSNP rs201908490, ClinGen allele CA5326845.